The following is an entry in ClinVar:

NM_000553.6(WRN):c.1899A>T (p.Leu633Phe)

Gene: WRN (WRN RecQ like helicase; plus strand). Cytogenetic location: 8p12.
Variant type: single nucleotide variant.
Coding change: c.1899A>T on transcript NM_000553.6 (MANE Select); coding-DNA position 1899, A replaced by T.
Protein change: p.Leu633Phe; replaces leucine 633 with phenylalanine.
Molecular consequence: missense variant.
Genome position (GRCh38, 1-based): chr8:31,096,768, A>T. VCF-style: chr8-31096768-A-T. GRCh37 (hg19) VCF-style: chr8-30954284-A-T.
Other names: short protein forms L633F.
Identifiers: ClinVar variation 238131 (VCV000238131.5), dbSNP rs878854134, ClinGen allele CA10582581.
Genomic context (GRCh38, chr8:31,096,768, plus strand): 5'-GTTAATATGTTTCCCTTCCTGTTTTTTTTTTTTTCTTTTTTCTTTTGTTTGTTTTTACAG[A>T]GGTAAATACCGGATTGTATACGTAACTCCAGAATACTGTTCAGGTAACATGGGCCTGCTC-3'
Protein context (NP_000544.2, residues 623-643): QSENVLTDIK[Leu633Phe]GKYRIVYVTP

ClinVar aggregate classification (germline): Uncertain significance (1 of 4 stars; one submission).

Conditions:
Werner syndrome (WRN). Identifiers: Orphanet 902, MedGen C0043119, MONDO:0010196, OMIM 277700.

Allele frequency attached by ClinVar (database versions not stated): gnomAD exomes 0.00001.
gnomAD v4.1: 11 of 1,603,066 alleles (0.00069%); highest among the groups gnomAD compares: African/African-American, 0.0014%; no homozygotes.

Submission:

Labcorp Genetics (formerly Invitae), Labcorp
Classification: Uncertain significance for Werner syndrome. Last evaluated: 2022-04-04. Review status: criteria provided, single submitter. Criteria: Invitae Variant Classification Sherloc (09022015). Collection method: clinical testing. Allele origin: germline.
Comment: This sequence change replaces leucine, which is neutral and non-polar, with phenylalanine, which is neutral and non-polar, at codon 633 of the WRN protein (p.Leu633Phe). This variant is present in population databases (no rsID available, gnomAD 0.007%). This variant has not been reported in the literature in individuals affected with WRN-related conditions. ClinVar contains an entry for this variant (Variation ID: 238131). Algorithms developed to predict the effect of missense changes on protein structure and function are either unavailable or do not agree on the potential impact of this missense change (SIFT: "Not Available"; PolyPhen-2: "Possibly Damaging"; Align-GVGD: "Not Available"). In summary, the available evidence is currently insufficient to determine the role of this variant in disease. Therefore, it has been classified as a Variant of Uncertain Significance.